The following is an entry in ClinVar:

NM_001385125.1(OPN1SW):c.758G>T (p.Gly253Val)

Gene: OPN1SW (opsin 1, short wave sensitive; minus strand). Cytogenetic location: 7q32.1.
Variant type: single nucleotide variant.
Coding change: c.758G>T on transcript NM_001385125.1 (MANE Select); coding-DNA position 758, G replaced by T.
Protein change: p.Gly253Val; replaces glycine 253 with valine.
Molecular consequence: missense variant.
Genome position (GRCh38, 1-based): chr7:128,773,809, C>A on the plus strand (G>T on the coding strand, the complement: OPN1SW is on the minus strand). VCF-style: chr7-128773809-C-A. GRCh37 (hg19) VCF-style: chr7-128413863-C-A.
Other names: short protein forms G253V.
Identifiers: ClinVar variation 1476376 (VCV001476376.8), dbSNP rs2128885791, ClinGen allele CA369217932.

ClinVar aggregate classification (germline): Uncertain significance (1 of 4 stars; one submission).

Submission:

Labcorp Genetics (formerly Invitae), Labcorp
Classification: Uncertain significance. Last evaluated: 2022-03-10. Review status: criteria provided, single submitter. Criteria: Invitae Variant Classification Sherloc (09022015). Collection method: clinical testing. Allele origin: germline.
Comment: Algorithms developed to predict the effect of missense changes on protein structure and function are either unavailable or do not agree on the potential impact of this missense change (SIFT: "Deleterious"; PolyPhen-2: "Benign"; Align-GVGD: "Class C65"). In summary, the available evidence is currently insufficient to determine the role of this variant in disease. Therefore, it has been classified as a Variant of Uncertain Significance. This variant has not been reported in the literature in individuals affected with OPN1SW-related conditions. This sequence change replaces glycine, which is neutral and non-polar, with valine, which is neutral and non-polar, at codon 256 of the OPN1SW protein (p.Gly256Val). This variant is not present in population databases (gnomAD no frequency).